The following is an entry in ClinVar:

ClinVar aggregate classification (germline): Uncertain significance (1 of 4 stars; one submission).

Submission:

Labcorp Genetics (formerly Invitae), Labcorp
Classification: Uncertain significance. Last evaluated: 2025-02-05. Review status: criteria provided, single submitter. Criteria: Invitae Variant Classification Sherloc (09022015). Collection method: clinical testing. Allele origin: germline.
Comment: This variant, c.338_340dup, results in the insertion of 1 amino acid(s) of the ATPAF2 protein (p.Asn113dup), but otherwise preserves the integrity of the reading frame. This variant is not present in population databases (gnomAD no frequency). This variant has not been reported in the literature in individuals affected with ATPAF2-related conditions. In summary, the available evidence is currently insufficient to determine the role of this variant in disease. Therefore, it has been classified as a Variant of Uncertain Significance.

NM_145691.4(ATPAF2):c.338_340dup (p.Asn113_Thr114insAsn)

Gene: ATPAF2 (ATP synthase mitochondrial F1 complex assembly factor 2; minus strand). Cytogenetic location: 17p11.2.
Variant type: Duplication.
Coding change: c.338_340dup on transcript NM_145691.4 (MANE Select); coding-DNA positions 338 to 340, 3 bases duplicated (ACA; older notation c.338_340dupACA).
Protein change: p.Asn113_Thr114insAsn.
Molecular consequence: inframe insertion.
Genome position (GRCh38, 1-based): chr17:18,026,401-18,026,403, TGT duplicated on the plus strand (ACA on the coding strand, the reverse complement: ATPAF2 is on the minus strand); duplicating any 3 consecutive bases within chr17:18,026,401-18,026,405 gives the same sequence; the c. name uses the placement nearest the transcript's 3' end. VCF-style (leftmost placement, unchanged base first): chr17-18026400-G-GTGT. GRCh37 (hg19) VCF-style: chr17-17929714-G-GTGT.
Identifiers: ClinVar variation 4744087 (VCV004744087.1).